The following is an entry in ClinVar:

Conditions:
Breast-ovarian cancer, familial, susceptibility to, 1 (BROVCA1). Also called: BRCA1 Hereditary Breast and Ovarian Cancer; OVARIAN CANCER, SUSCEPTIBILITY TO. Identifiers: Orphanet 145, MedGen C2676676, MONDO:0011450, OMIM 604370. Disease mechanism: loss of function.

Submission:

Brotman Baty Institute, University of Washington
No classification provided (evidence only). Condition: Breast-ovarian cancer, familial 1. Review status: no classification provided. Collection method: in vitro. Allele origin: not applicable. Functional consequence: functionally_normal.
ClinVar note: "not provided" was previously submitted as the classification for the variant. However, the classification appeared to be based only on an observation of functional data so it was converted to no classification on 2025-07-30.

NM_007294.4(BRCA1):c.271T>G (p.Cys91Gly)

Gene: BRCA1 (BRCA1 DNA repair associated; minus strand). Cytogenetic location: 17q21.31.
Variant type: single nucleotide variant.
Coding change: c.271T>G on transcript NM_007294.4 (MANE Select); coding-DNA position 271, T replaced by G.
Protein change: p.Cys91Gly; replaces cysteine 91 with glycine.
Molecular consequence: missense variant. On other transcripts: non-coding transcript variant (1).
Genome position (GRCh38, 1-based): chr17:43,104,898, A>C on the plus strand (T>G on the coding strand, the complement: BRCA1 is on the minus strand). VCF-style: chr17-43104898-A-C. GRCh37 (hg19) VCF-style: chr17-41256915-A-C.
Other names: c.193T>G, p.Cys65Gly (NM_001407662.1, NM_001407663.1, NM_001407862.1 and 21 more transcripts); c.271T>G, p.Cys91Gly (NM_001407664.1, NM_001407665.1, NM_001407666.1 and 168 more transcripts); c.130T>G, p.Cys44Gly (NM_001407692.1, NM_001407694.1, NM_001407695.1 and 99 more transcripts); c.61T>G, p.Cys21Gly (NM_001407853.1, NM_001407879.1, NM_001407881.1 and 58 more transcripts); c.-111T>G (NM_001407959.1, NM_001407960.1, NM_001407962.1 and 4 more transcripts); c.139T>G, p.Cys47Gly (NM_001408451.1); short protein forms C44G, C91G, C47G, C21G, C65G.
Identifiers: ClinVar variation 865620 (VCV000865620.3), dbSNP rs786203939, ClinGen allele CA10601613.